The following is an entry in ClinVar:

ClinVar aggregate classification (germline): Likely benign. Review status: criteria provided, multiple submitters, no conflicts (2 of 4 stars). 2 submissions from 2 submitters: Likely benign (2). Last evaluated 2025-01-09.

Conditions:
Familial cancer of breast. Also called: BREAST CANCER, FAMILIAL; hereditary breast carcinoma; Hereditary breast cancer. Identifiers: Orphanet 227535, MedGen C0346153, MONDO:0016419, OMIM 114480. Disease mechanism: loss of function.

Submissions (2):

Myriad Genetics, Inc.
Classification: Likely benign for Familial cancer of breast. Last evaluated: 2025-01-09. Review status: criteria provided, single submitter. Criteria: Myriad Autosomal Dominant, Autosomal Recessive and X-Linked Classification Criteria (2023). Collection method: clinical testing. Allele origin: unknown.
Comment: This variant is considered likely benign. This variant is intronic and is not expected to impact mRNA splicing.

Labcorp Genetics (formerly Invitae), Labcorp
Classification: Likely benign for Familial cancer of breast. Last evaluated: 2022-11-20. Review status: criteria provided, single submitter. Criteria: Invitae Variant Classification Sherloc (09022015). Collection method: clinical testing. Allele origin: germline.

NM_024675.4(PALB2):c.211+7C>G

Gene: PALB2 (partner and localizer of BRCA2; minus strand). Cytogenetic location: 16p12.2.
Variant type: single nucleotide variant.
Coding change: c.211+7C>G on transcript NM_024675.4 (MANE Select); 7 bases into the intron after coding-DNA position 211, C replaced by G.
Molecular consequence: intron variant.
Genome position (GRCh38, 1-based): chr16:23,637,843, G>C on the plus strand (C>G on the coding strand, the complement: PALB2 is on the minus strand). VCF-style: chr16-23637843-G-C. GRCh37 (hg19) VCF-style: chr16-23649164-G-C.
Other names: c.-675+7C>G (NM_001407308.1, NM_001407306.1, NM_001407307.1 and 5 more transcripts); c.48+3267C>G (NM_001407314.1); c.-105+3267C>G (NM_001407313.1, NM_001407312.1); c.151+7C>G (NM_001407296.1); c.211+7C>G (NM_001407297.1, NM_001407302.1, NM_001407298.1 and 3 more transcripts).
Identifiers: ClinVar variation 2815525 (VCV002815525.4), dbSNP rs2142455258, ClinGen allele CA2732067071.